The following is an entry in ClinVar:

ClinVar aggregate classification (germline): Uncertain significance (1 of 4 stars; one submission).

gnomAD v4.1: 13 of 1,565,080 alleles (0.00083%); highest among the groups gnomAD compares: South Asian, 0.0083%; no homozygotes.

Submission:

CeGaT Center for Human Genetics Tuebingen
Classification: Uncertain significance. Last evaluated: 2026-05-01. Review status: criteria provided, single submitter. Criteria: CeGaT Center For Human Genetics Tuebingen Variant Classification Criteria Version 2. Collection method: clinical testing. Allele origin: germline. Affected: yes. Observed: 1 variant allele.
Comment: CCDC88C: PM2

NM_001080414.4(CCDC88C):c.887A>G (p.Gln296Arg)

Gene: CCDC88C (coiled-coil and HOOK domain protein 88C; minus strand). Cytogenetic location: 14q32.11.
Variant type: single nucleotide variant.
Coding change: c.887A>G on transcript NM_001080414.4 (MANE Select); coding-DNA position 887, A replaced by G.
Protein change: p.Gln296Arg; replaces glutamine 296 with arginine.
Molecular consequence: missense variant. On other transcripts: non-coding transcript variant (2).
Genome position (GRCh38, 1-based): chr14:91,338,493, T>C on the plus strand (A>G on the coding strand, the complement: CCDC88C is on the minus strand). VCF-style: chr14-91338493-T-C. GRCh37 (hg19) VCF-style: chr14-91804837-T-C.
Other names: short protein forms Q296R.
Identifiers: ClinVar variation 4874839 (VCV004874839.2).
Genomic context (GRCh38, chr14:91,338,493, plus strand): 5'-CTGGACACTCCAGCCCTGCTACCCCCAGGACACACAGGCTCAGGCCCCCGACTCACCTCC[T>C]GCTTAACTTTCTGCAGTTCCAGCACCAGCTGGTCCACCTCATGTCTGGTGTCCACAAGCT-3'
Protein context (NP_001073883.2, residues 286-306): QLVLELQKVK[Gln296Arg]ENIQLAADAR